The following is an entry in ClinVar:

NM_000059.4(BRCA2):c.6709G>C (p.Asp2237His)

Gene: BRCA2 (BRCA2 DNA repair associated; plus strand). Cytogenetic location: 13q13.1.
Variant type: single nucleotide variant.
Coding change: c.6709G>C on transcript NM_000059.4 (MANE Select); coding-DNA position 6709, G replaced by C.
Protein change: p.Asp2237His; replaces aspartic acid 2237 with histidine.
Molecular consequence: missense variant.
Genome position (GRCh38, 1-based): chr13:32,341,064, G>C. VCF-style: chr13-32341064-G-C. GRCh37 (hg19) VCF-style: chr13-32915201-G-C.
Other names: short protein forms D2237H.
Identifiers: ClinVar variation 489775 (VCV000489775.20), dbSNP rs1174104045, ClinGen allele CA387790985.
Genomic context (GRCh38, chr13:32,341,064, plus strand): 5'-AAAGATTCAGAAAACTACTTTGAAACAGAAGCAGTAGAAATTGCTAAAGCTTTTATGGAA[G>C]ATGATGAACTGACAGATTCTAAACTGCCAAGTCATGCCACACATTCTCTTTTTACATGTC-3'
Protein context (NP_000050.3, residues 2227-2247): AVEIAKAFME[Asp2237His]DELTDSKLPS

ClinVar aggregate classification (germline): Conflicting classifications of pathogenicity. Review status: criteria provided, conflicting classifications (1 of 4 stars). 6 submissions from 6 submitters: Uncertain significance (4); Likely benign (2). Last evaluated 2025-10-28.

Conditions:
Hereditary breast ovarian cancer syndrome. Also called: Hereditary breast and ovarian cancer; Hereditary breast and ovarian cancer syndrome (HBOC); BRCA1- and BRCA2-Associated Hereditary Breast and Ovarian Cancer; Breast and ovarian cancer; Hereditary breast and ovarian cancer syndrome; Hereditary breast and/or ovarian cancer syndrome. Identifiers: Orphanet 145, MedGen C0677776, MeSH D061325, MONDO:0003582. Disease mechanism: loss of function.
Hereditary cancer-predisposing syndrome. Also called: Tumor predisposition; Neoplastic Syndromes, Hereditary; Hereditary Cancer Syndrome; Hereditary neoplastic syndrome. Identifiers: Orphanet 140162, MedGen C0027672, MeSH D009386, MONDO:0015356.
Breast-ovarian cancer, familial, susceptibility to, 2 (BROVCA2). Also called: BRCA2 Hereditary Breast and Ovarian Cancer. Identifiers: Orphanet 145, MedGen C2675520, MONDO:0012933, OMIM 612555. Disease mechanism: loss of function.

Allele frequency attached by ClinVar (database versions not stated): gnomAD exomes 0.00001; TOPMed 0.00001.
gnomAD v4.1: 2 of 1,613,944 alleles (0.00012%); highest among the groups gnomAD compares: Admixed American, 0.0033%; no homozygotes.

Submissions (6):

Ambry Genetics
Classification: Uncertain significance for Hereditary cancer-predisposing syndrome. Last evaluated: 2025-10-28. Review status: criteria provided, single submitter. Criteria: Ambry Variant Classification Scheme 2023. Collection method: clinical testing. Allele origin: germline.
Comment: The p.D2237H variant (also known as c.6709G>C), located in coding exon 10 of the BRCA2 gene, results from a G to C substitution at nucleotide position 6709. The aspartic acid at codon 2237 is replaced by histidine, an amino acid with similar properties. This amino acid position is highly conserved in available vertebrate species. In addition, the in silico prediction for this alteration is inconclusive. Since supporting evidence is limited at this time, the clinical significance of this alteration remains unclear.

Quest Diagnostics Nichols Institute San Juan Capistrano
Classification: Uncertain significance. Last evaluated: 2025-09-05. Review status: criteria provided, single submitter. Criteria: Quest Diagnostics criteria. Collection method: clinical testing. Allele origin: unknown.
Comment: The BRCA2 c.6709G>C (p.Asp2237His) variant has been reported in the published literature to be located in a region of the BRCA2 gene that is tolerant to missense sequence changes (PMID: 31911673 (2020)). To the best of our knowledge, this variant has not been reported in individuals with BRCA2-related disorders. The frequency of this variant in the general population (Genome Aggregation Database) is uninformative in the assessment of its pathogenicity. Analysis of this variant using bioinformatics tools for the prediction of the effect of amino acid changes on protein structure and function yielded predictions that this variant is damaging. Based on the available information, we are unable to determine the clinical significance of this variant.

Labcorp Genetics (formerly Invitae), Labcorp
Classification: Uncertain significance for Hereditary breast ovarian cancer syndrome. Last evaluated: 2024-08-15. Review status: criteria provided, single submitter. Criteria: Invitae Variant Classification Sherloc (09022015). Collection method: clinical testing. Allele origin: germline.
Comment: This sequence change replaces aspartic acid, which is acidic and polar, with histidine, which is basic and polar, at codon 2237 of the BRCA2 protein (p.Asp2237His). This variant is present in population databases (no rsID available, gnomAD 0.006%). This variant has not been reported in the literature in individuals affected with BRCA2-related conditions. ClinVar contains an entry for this variant (Variation ID: 489775). Invitae Evidence Modeling of protein sequence and biophysical properties (such as structural, functional, and spatial information, amino acid conservation, physicochemical variation, residue mobility, and thermodynamic stability) indicates that this missense variant is not expected to disrupt BRCA2 protein function with a negative predictive value of 95%. In summary, the available evidence is currently insufficient to determine the role of this variant in disease. Therefore, it has been classified as a Variant of Uncertain Significance.

University of Washington Department of Laboratory Medicine, University of Washington
Classification: Likely benign for Hereditary cancer-predisposing syndrome. Last evaluated: 2023-03-23. Review status: criteria provided, single submitter. Criteria: Dines et al. (Genet Med. 2020). Collection method: curation. Allele origin: germline.
Comment: Missense variant in a coldspot region where missense variants are very unlikely to be pathogenic (PMID:31911673).

BRCA2 exon 11 coldspot. Reclassification based on statistical prior probability.

Myriad Genetics, Inc.
Classification: Likely benign for Breast-ovarian cancer, familial, susceptibility to, 2. Last evaluated: 2023-03-10. Review status: criteria provided, single submitter. Criteria: Myriad Autosomal Dominant, Autosomal Recessive and X-Linked Classification Criteria (2023). Collection method: clinical testing. Allele origin: unknown.
Comment: This variant is considered likely benign. This variant is strongly associated with less severe personal and family histories of cancer, typical for individuals without pathogenic variants in this gene [PMID: 25085752].

Color Diagnostics, LLC DBA Color Health
Classification: Uncertain significance for Hereditary cancer-predisposing syndrome. Last evaluated: 2019-04-03. Review status: criteria provided, single submitter. Criteria: ACMG Guidelines, 2015. Collection method: clinical testing. Allele origin: germline.

Literature cited by the submitters: PubMed 31911673 (cited by Quest Diagnostics Nichols Institute San Juan Capistrano); PubMed 25085752 (cited by Myriad Genetics, Inc.).